The following is an entry in ClinVar:

NM_000051.4(ATM):c.4227del (p.Ser1411fs)

Gene: ATM (ATM serine/threonine kinase; plus strand). Cytogenetic location: 11q22.3.
Variant type: Deletion.
Coding change: c.4227del on transcript NM_000051.4 (MANE Select); coding-DNA position 4227, one base deleted (C; older notation c.4227delC).
Protein change: p.Ser1411fs; shifts the reading frame from serine 1411.
Molecular consequence: frameshift variant.
Genome position (GRCh38, 1-based): chr11:108,289,094, C deleted; the last of 2 consecutive C bases (chr11:108,289,093-108,289,094); deleting either gives the same sequence. VCF-style (leftmost placement, unchanged base first): chr11-108289092-TC-T. GRCh37 (hg19) VCF-style: chr11-108159819-TC-T.
Other names: c.4227delC (NM_000051.3); c.4227del, p.Ser1411fs (NM_001351834.2); short protein forms S1411fs.
Identifiers: ClinVar variation 141846 (VCV000141846.17), dbSNP rs587782054, ClinGen allele CA166590.
Genomic context (GRCh38, chr11:108,289,092, plus strand): 5'-ACATTTGCCTATATCAGCAATTGTCATAAAACCAAGTTAAAAAGCATTTTAGAAATTCTT[TC>T]CAAAAGCCCTGTAAGTATACATGATGAGTTTAATAATAGAACATTCCTTCTTTTTTAGCT-3'

ClinVar aggregate classification (germline): Pathogenic/Likely pathogenic. Review status: criteria provided, multiple submitters, no conflicts (2 of 4 stars). 5 submissions from 5 submitters: Pathogenic (3); Likely pathogenic (2). Last evaluated 2024-09-18.

Conditions:
Hereditary cancer-predisposing syndrome. Also called: Neoplastic Syndromes, Hereditary; Hereditary Cancer Syndrome; Hereditary neoplastic syndrome; Tumor predisposition. Identifiers: Orphanet 140162, MedGen C0027672, MeSH D009386, MONDO:0015356.
Familial cancer of breast. Also called: Hereditary breast cancer; hereditary breast carcinoma; BREAST CANCER, FAMILIAL. Identifiers: Orphanet 227535, MedGen C0346153, MONDO:0016419, OMIM 114480. Disease mechanism: loss of function.
Ataxia-telangiectasia syndrome (AT). Also called: Cerebello-oculocutaneous telangiectasia; Immunodeficiency with ataxia telangiectasia; Ataxia-telangiectasia, complementation group D; AT, COMPLEMENTATION GROUP C; ATAXIA-TELANGIECTASIA, FRESNO VARIANT; ATAXIA-TELANGIECTASIA, COMPLEMENTATION GROUP A. Identifiers: Orphanet 100, MedGen C0004135, MONDO:0008840, OMIM 208900.

Submissions (5):

Labcorp Genetics (formerly Invitae), Labcorp
Classification: Pathogenic for Ataxia-telangiectasia syndrome. Last evaluated: 2024-09-18. Review status: criteria provided, single submitter. Criteria: Invitae Variant Classification Sherloc (09022015). Collection method: clinical testing. Allele origin: germline.
Comment: This sequence change creates a premature translational stop signal (p.Ser1411Alafs*40) in the ATM gene. It is expected to result in an absent or disrupted protein product. Loss-of-function variants in ATM are known to be pathogenic (PMID: 23807571, 25614872). This variant is not present in population databases (gnomAD no frequency). This variant has not been reported in the literature in individuals affected with ATM-related conditions. ClinVar contains an entry for this variant (Variation ID: 141846). For these reasons, this variant has been classified as Pathogenic.

Myriad Genetics, Inc.
Classification: Pathogenic for Familial cancer of breast. Last evaluated: 2024-01-23. Review status: criteria provided, single submitter. Criteria: Myriad Autosomal Dominant, Autosomal Recessive and X-Linked Classification Criteria (2023). Collection method: clinical testing. Allele origin: unknown.
Comment: This variant is considered pathogenic. This variant creates a frameshift predicted to result in premature protein truncation.

GeneDx
Classification: Likely pathogenic. Last evaluated: 2022-03-31. Review status: criteria provided, single submitter. Criteria: GeneDx Variant Classification Process June 2021. Collection method: clinical testing. Allele origin: germline. Affected: yes.
Comment: Frameshift variant predicted to result in protein truncation or nonsense mediated decay in a gene for which loss of function is a known mechanism of disease; Not observed at significant frequency in large population cohorts (gnomAD); Has not been previously published as pathogenic or benign to our knowledge; This variant is associated with the following publications: (PMID: 28152038)

MGZ Medical Genetics Center
Classification: Likely pathogenic for Familial cancer of breast. Last evaluated: 2022-02-14. Review status: criteria provided, single submitter. Criteria: ACMG Guidelines, 2015. Collection method: clinical testing. Allele origin: germline. Affected: yes. Observed: 1 variant allele.
Comment: ACMG criteria applied: PVS1, PM2_SUP

Ambry Genetics
Classification: Pathogenic for Hereditary cancer-predisposing syndrome. Last evaluated: 2021-02-23. Review status: criteria provided, single submitter. Criteria: Ambry Variant Classification Scheme 2023. Collection method: clinical testing. Allele origin: germline.
Comment: The c.4227delC pathogenic mutation, located in coding exon 27 of the ATM gene, results from a deletion of one nucleotide at nucleotide position 4227, causing a translational frameshift with a predicted alternate stop codon (p.S1411Afs*40). This alteration is expected to result in loss of function by premature protein truncation or nonsense-mediated mRNA decay. As such, this alteration is interpreted as a disease-causing mutation.

Literature cited by the submitters: PubMed 23807571 (cited by Labcorp Genetics (formerly Invitae), Labcorp); PubMed 25614872 (cited by Labcorp Genetics (formerly Invitae), Labcorp).